The following is an entry in ClinVar:

NM_001048174.2(MUTYH):c.1089G>C (p.Gln363His)

Gene: MUTYH (mutY DNA glycosylase; minus strand). Cytogenetic location: 1p34.1.
Variant type: single nucleotide variant.
Coding change: c.1089G>C on transcript NM_001048174.2 (MANE Select); coding-DNA position 1089, G replaced by C.
Protein change: p.Gln363His; replaces glutamine 363 with histidine.
Molecular consequence: missense variant. On other transcripts: non-coding transcript variant (2).
Genome position (GRCh38, 1-based): chr1:45,331,674, C>G on the plus strand (G>C on the coding strand, the complement: MUTYH is on the minus strand). VCF-style: chr1-45331674-C-G. GRCh37 (hg19) VCF-style: chr1-45797346-C-G.
Other names: c.1089G>C, p.Gln363His (NM_001048171.2, NM_001048173.2, NM_001293195.2); c.1092G>C, p.Gln364His (NM_001048172.2); c.1173G>C, p.Gln391His (NM_001128425.2); c.1134G>C, p.Gln378His (NM_001293190.2); c.1122G>C, p.Gln374His (NM_001293191.2); c.813G>C, p.Gln271His (NM_001293192.2, NM_001293196.2); c.744G>C, p.Gln248His (NM_001350650.2, NM_001350651.2); c.1164G>C, p.Gln388His (NM_012222.3); short protein forms Q248H, Q271H, Q363H, Q364H, Q374H, Q378H, Q388H, Q391H.
Identifiers: ClinVar variation 1170979 (VCV001170979.4), dbSNP rs2149124969, ClinGen allele CA340133298.

ClinVar aggregate classification (germline): Uncertain significance. Review status: criteria provided, multiple submitters, no conflicts (2 of 4 stars). 2 submissions from 2 submitters: Uncertain significance (2). Last evaluated 2025-08-27.

Conditions:
Hereditary cancer-predisposing syndrome. Also called: Tumor predisposition; Hereditary neoplastic syndrome; Hereditary Cancer Syndrome; Neoplastic Syndromes, Hereditary. Identifiers: Orphanet 140162, MedGen C0027672, MeSH D009386, MONDO:0015356.

Submissions (2):

Ambry Genetics
Classification: Uncertain significance for Hereditary cancer-predisposing syndrome. Last evaluated: 2025-08-27. Review status: criteria provided, single submitter. Criteria: Ambry Variant Classification Scheme 2023. Collection method: clinical testing. Allele origin: germline.
Comment: The p.Q391H variant (also known as c.1173G>C), located in coding exon 12 of the MUTYH gene, results from a G to C substitution at nucleotide position 1173. The glutamine at codon 391 is replaced by histidine, an amino acid with highly similar properties. This amino acid position is conserved. In addition, this alteration is predicted to be deleterious by in silico analysis. Based on the available evidence, the clinical significance of this variant remains unclear.

Color Diagnostics, LLC DBA Color Health
Classification: Uncertain significance for Hereditary cancer-predisposing syndrome. Last evaluated: 2024-03-06. Review status: criteria provided, single submitter. Criteria: ACMG Guidelines, 2015. Collection method: clinical testing. Allele origin: germline.
Comment: This missense variant replaces glutamine with histidine at codon 391 of the MUTYH protein. Computational prediction suggests that this variant may have deleterious impact on protein structure and function (internally defined REVEL score threshold >= 0.7, PMID: 27666373). To our knowledge, functional studies have not been reported for this variant. This variant has not been reported in individuals affected with hereditary cancer in the literature. This variant has not been identified in the general population by the Genome Aggregation Database (gnomAD). The available evidence is insufficient to determine the role of this variant in disease conclusively. Therefore, this variant is classified as a Variant of Uncertain Significance.